The following is an entry in ClinVar:

ClinVar aggregate classification (germline): Uncertain significance (1 of 4 stars; one submission).

Conditions:
Myofibrillar myopathy 5. Also called: FILAMINOPATHY, AUTOSOMAL DOMINANT; Filaminopathy (type). Identifiers: Orphanet 171445, MedGen C1836050, MONDO:0012289, OMIM 609524.
Distal myopathy with posterior leg and anterior hand involvement. Also called: WILLIAMS DISTAL MYOPATHY. Identifiers: Orphanet 63273, MedGen C3279722, MONDO:0013550, OMIM 614065.
Hypertrophic cardiomyopathy 26. Also called: Cardiomyopathy, familial hypertrophic, 26. Identifiers: Orphanet 75249, MedGen C4310749, MONDO:0014883, OMIM 617047.

Submission:

Labcorp Genetics (formerly Invitae), Labcorp
Classification: Uncertain significance for Distal myopathy with posterior leg and anterior hand involvement; Myofibrillar myopathy 5; Hypertrophic cardiomyopathy 26. Last evaluated: 2019-10-02. Review status: criteria provided, single submitter. Criteria: Invitae Variant Classification Sherloc (09022015). Collection method: clinical testing. Allele origin: germline.
Comment: In summary, the available evidence is currently insufficient to determine the role of this variant in disease. Therefore, it has been classified as a Variant of Uncertain Significance. Algorithms developed to predict the effect of missense changes on protein structure and function are either unavailable or do not agree on the potential impact of this missense change (SIFT: "Tolerated"; PolyPhen-2: "Possibly Damaging"; Align-GVGD: "Class C0"). This variant has not been reported in the literature in individuals with FLNC-related conditions. This variant is not present in population databases (ExAC no frequency). This sequence change replaces valine with phenylalanine at codon 1788 of the FLNC protein (p.Val1788Phe). The valine residue is moderately conserved and there is a small physicochemical difference between valine and phenylalanine.

NM_001458.5(FLNC):c.5362G>T (p.Val1788Phe)

Genes: FLNC (filamin C; plus strand), FLNC-AS1 (FLNC antisense RNA 1; minus strand). Cytogenetic location: 7q32.1.
Variant type: single nucleotide variant.
Coding change: c.5362G>T on transcript NM_001458.5 (MANE Select); coding-DNA position 5362, G replaced by T.
Protein change: p.Val1788Phe; replaces valine 1788 with phenylalanine.
Molecular consequence: missense variant.
Genome position (GRCh38, 1-based): chr7:128,850,447, G>T. VCF-style: chr7-128850447-G-T. GRCh37 (hg19) VCF-style: chr7-128490501-G-T.
Other names: c.5263G>T, p.Val1755Phe (NM_001127487.2); short protein forms V1755F, V1788F.
Identifiers: ClinVar variation 952564 (VCV000952564.10), dbSNP rs1808759348, ClinGen allele CA369205219.